The following is an entry in ClinVar:

ClinVar aggregate classification (germline): Benign (0 of 4 stars; one submission).

Conditions:
FAM136A-related disorder. Also called: FAM136A-related condition.

Allele frequency attached by ClinVar (database versions not stated): gnomAD exomes 0.00136; ExAC 0.00410; 1000 Genomes Project 0.01318; gnomAD 0.01388; 1000 Genomes Project 30x 0.01640; TOPMed 0.01668.
gnomAD v4.1: 4,098 of 1,539,414 alleles (0.27%); highest among the groups gnomAD compares: African/African-American, 4.9%; 109 homozygotes.

Submission:

PreventionGenetics, part of Exact Sciences
Classification: Benign for FAM136A-related condition. Last evaluated: 2019-07-12. Review status: no assertion criteria provided. Collection method: clinical testing. Allele origin: germline.
Comment: This variant is classified as benign based on ACMG/AMP sequence variant interpretation guidelines (Richards et al. 2015 PMID: 25741868, with internal and published modifications).

NM_001329752.2(FAM136A):c.271C>T (p.Arg91Cys)

Gene: FAM136A (family with sequence similarity 136 member A; minus strand). Cytogenetic location: 2p13.3.
Variant type: single nucleotide variant.
Coding change: c.271C>T on transcript NM_001329752.2 (MANE Select); coding-DNA position 271, C replaced by T.
Protein change: p.Arg91Cys; replaces arginine 91 with cysteine.
Molecular consequence: missense variant. On other transcripts: intron variant (4).
Genome position (GRCh38, 1-based): chr2:70,301,741, G>A on the plus strand (C>T on the coding strand, the complement: FAM136A is on the minus strand). VCF-style: chr2-70301741-G-A. GRCh37 (hg19) VCF-style: chr2-70528873-G-A.
Other names: c.271C>T, p.Arg91Cys (NM_001329753.2); c.87+184C>T (NM_032822.3); c.-88-138C>T (NM_001329758.2); c.-202-138C>T (NM_001329757.2); c.-629-138C>T (NM_001329755.2); short protein forms R91C.
Identifiers: ClinVar variation 3056074 (VCV003056074.2), dbSNP rs112790117, ClinGen allele CA1698551.
Genomic context (GRCh38, chr2:70,301,741, plus strand): 5'-GACGCTCCTGCCCCGGGCTGGAAGGGGCGGAAAACAGCCTCGCGCACGGCAAGGGCACAC[G>A]GATTTCATCCGATCCGCCAAAGCTTCCGAAGTCCTGTCCGAGGCCGCCCCGGCGACCCCA-3'
Protein context (NP_001316681.1, residues 81-101): FGSFGGSDEI[Arg91Cys]VPLPCARLFS